The following is an entry in ClinVar:

ClinVar aggregate classification (germline): Uncertain significance. Review status: criteria provided, multiple submitters, no conflicts (2 of 4 stars). 3 submissions from 3 submitters: Uncertain significance (3). Last evaluated 2025-08-25.

Conditions:
Hereditary cancer-predisposing syndrome. Also called: Neoplastic Syndromes, Hereditary; Tumor predisposition; Hereditary Cancer Syndrome; Hereditary neoplastic syndrome. Identifiers: Orphanet 140162, MedGen C0027672, MeSH D009386, MONDO:0015356.
PALB2-related cancer predisposition. Identifiers: MedGen CN377761, MONDO:0700272.

Allele frequency attached by ClinVar (database versions not stated): gnomAD exomes below 0.00001.
gnomAD v4.1: 1 of 1,613,620 alleles (0.000062%); highest among the groups gnomAD compares: Non-Finnish European, 0.000085%; no homozygotes.

Submissions (3):

Hema, HEMA – Genetic and Molecular Diagnostic Laboratory
Classification: Uncertain significance for PALB2-related cancer predisposition. Last evaluated: 2025-08-25. Review status: criteria provided, single submitter. Criteria: HEMA Variant Classification Assertion Criteria. Collection method: clinical testing. Allele origin: germline.
Comment: It is a transition of cytosine to thymine in the last base of exon 5 of the PALB2 gene. PS1_Supporting: Variant in a splice donor motif, outside the +1,2 dinucleotide, where other variants in the dinucleotide ±1,2 of this motif (c.2514+1G>T, c.2514+1G>A, c.2514+1G>C, c.2514+2T>C) are classified as likely pathogenic and are predicted to have a similar effect on splicing to that predicted for the variant detected in the proband. PM2_Supporting: Present at very low frequency in the gnomAD v4.1.0 database. PP3: According to the splicing predictor SpliceAI, the variant affects splicing (loss of donor score = 0.87 ≥ 0.2 and gain of donor score = 0.37 ≥ 0.2).

Ambry Genetics
Classification: Uncertain significance for Hereditary cancer-predisposing syndrome. Last evaluated: 2023-08-01. Review status: criteria provided, single submitter. Criteria: Ambry Variant Classification Scheme 2023. Collection method: clinical testing. Allele origin: germline.
Comment: The c.2514G>A variant (also known as p.Q838Q), located in coding exon 5 of the PALB2 gene, results from a G to A substitution at nucleotide position 2514. This nucleotide substitution does not change the glutamine at 838. However, this change occurs in the last base pair of coding exon 5, which makes it likely to have some effect on normal mRNA splicing. This nucleotide position is highly conserved in available vertebrate species. In silico splice site analysis predicts that this alteration will weaken the native splice donor site; however, direct evidence is insufficient at this time (Ambry internal data). Since supporting evidence is limited at this time, the clinical significance of this alteration remains unclear.

GeneDx
Classification: Uncertain significance. Last evaluated: 2016-04-29. Review status: criteria provided, single submitter. Criteria: GeneDx Variant Classification (06012015). Collection method: clinical testing. Allele origin: germline. Affected: yes.
Comment: This variant is denoted PALB2 c.2514G>A at the DNA level. Although this variant is silent at the coding level, preserving a Glutamine at codon 838, it is located in the last nucleotide of exon 5 and is predicted to cause abnormal splicing. However, in the absence of RNA or functional studies, the actual effect of this variant is unknown. This variant has not, to our knowledge, been published in the literature as being pathogenic or benign. PALB2 c.2514G>A was not observed in approximately 6,500 individuals of European and African American ancestry in the NHLBI Exome Sequencing Project, suggesting it is not a common benign variant in these populations.The nucleotide which is altered, a guanine (G) at base 2514, is conserved in mammals. Based on currently available evidence, it is unclear whether PALB2 c.2514G>A is a pathogenic or benign variant. We consider it to be a variant of uncertain significance.

NM_024675.4(PALB2):c.2514G>A (p.Gln838=)

Gene: PALB2 (partner and localizer of BRCA2; minus strand). Cytogenetic location: 16p12.2.
Variant type: single nucleotide variant.
Coding change: c.2514G>A on transcript NM_024675.4 (MANE Select); coding-DNA position 2514, G replaced by A.
Protein change: p.Gln838=; no amino-acid change (glutamine 838 retained).
Molecular consequence: synonymous variant.
Genome position (GRCh38, 1-based): chr16:23,629,640, C>T on the plus strand (G>A on the coding strand, the complement: PALB2 is on the minus strand). VCF-style: chr16-23629640-C-T. GRCh37 (hg19) VCF-style: chr16-23640961-C-T.
Identifiers: ClinVar variation 421088 (VCV000421088.5), dbSNP rs1064794902, ClinGen allele CA16620132.
Genomic context (GRCh38, chr16:23,629,640, plus strand): 5'-TACATTCACTAAGGCATTTCATTCCTTCAGAGAAAATTTCACAGAGGAAATGGATTGTAC[C>T]TGTTCGACGGAATGTTTATGCAGCTCCTGGCATGTGTTTCTACAGAGCTGATTTTCTTTA-3'
Protein context (NP_078951.2, residues 828-848): CQELHKHSVE[Gln838=]TETAELPASD